The following is an entry in ClinVar:

ClinVar aggregate classification (germline): Uncertain significance. Review status: criteria provided, multiple submitters, no conflicts (2 of 4 stars). 3 submissions from 3 submitters: Uncertain significance (3). Last evaluated 2025-06-03.

Conditions:
Cardiomyopathy (CMYO). Also called: Cardiomyopathies. Identifiers: Orphanet 167848, MedGen C0878544, MONDO:0004994, HP:0001638. Inheritance: Various modes of inheritance.
Arrhythmogenic right ventricular cardiomyopathy (ARVD). Also called: Cardiomyopathy, ARVC; Arrhythmogenic right ventricular dysplasia; Arrhythmogenic cardiomyopathy; Arrhythmogenic Right Ventricular Cardiomyopathy (ARVC). Identifiers: Orphanet 247, MedGen C0349788, MeSH D019571, MONDO:0016587. Disease mechanism: loss of function. Inheritance: Various modes of inheritance.

Allele frequency attached by ClinVar (database versions not stated): ExAC 0.00001.
gnomAD v4.1: 29 of 1,614,028 alleles (0.0018%); highest among the groups gnomAD compares: Non-Finnish European, 0.0025%; no homozygotes.

Submissions (3):

Color Diagnostics, LLC DBA Color Health
Classification: Uncertain significance for Cardiomyopathy. Last evaluated: 2025-06-03. Review status: criteria provided, single submitter. Criteria: ACMG Guidelines, 2015. Collection method: clinical testing. Allele origin: germline.
Comment: This missense variant replaces isoleucine with lysine at codon 847 of the DSG2 protein. Computational prediction suggests that this variant may not impact protein structure and function. To our knowledge, functional studies have not been reported for this variant. This variant has not been reported in individuals affected with DSG2-related disorders in the literature. This variant has not been identified in the general population by the Genome Aggregation Database (gnomAD). The available evidence is insufficient to determine the role of this variant in disease conclusively. Therefore, this variant is classified as a Variant of Uncertain Significance.

Blueprint Genetics
Classification: Uncertain significance. Last evaluated: 2024-03-26. Review status: criteria provided, single submitter. Criteria: ACMG Guidelines, 2015. Collection method: clinical testing. Allele origin: germline.

All of Us Research Program, National Institutes of Health
Classification: Uncertain significance for Arrhythmogenic right ventricular cardiomyopathy. Last evaluated: 2023-08-15. Review status: criteria provided, single submitter. Criteria: ACMG Guidelines, 2015. Collection method: clinical testing. Allele origin: germline. Inheritance: Autosomal dominant inheritance. Observed: 3 variant alleles, 3 heterozygotes.
Comment: This missense variant replaces isoleucine with lysine at codon 847 of the DSG2 protein. Computational prediction suggests that this variant may not impact protein structure and function (internally defined REVEL score threshold <= 0.5, PMID: 27666373). To our knowledge, functional studies have not been reported for this variant. This variant has not been reported in individuals affected with DSG2-related disorders in the literature. This variant has not been identified in the general population by the Genome Aggregation Database (gnomAD). The available evidence is insufficient to determine the role of this variant in disease conclusively. Therefore, this variant is classified as a Variant of Uncertain Significance.

This study involves interpretation of variants in research participants for the purpose of population health screening. Participant phenotype was not available at the time of variant classification. Additional details can be found in publication PMID: 35346344, PMCID: PMC8962531

NM_001943.5(DSG2):c.2540T>A (p.Ile847Lys)

Genes: DSG2 (desmoglein 2; plus strand), DSG2-AS1 (DSG2 antisense RNA 1; minus strand). Cytogenetic location: 18q12.1.
Variant type: single nucleotide variant.
Coding change: c.2540T>A on transcript NM_001943.5 (MANE Select); coding-DNA position 2540, T replaced by A.
Protein change: p.Ile847Lys; replaces isoleucine 847 with lysine.
Molecular consequence: missense variant.
Genome position (GRCh38, 1-based): chr18:31,545,926, T>A. VCF-style: chr18-31545926-T-A. GRCh37 (hg19) VCF-style: chr18-29125889-T-A.
Other names: short protein forms I847K.
Identifiers: ClinVar variation 2775238 (VCV002775238.5), dbSNP rs777609688, ClinGen allele CA046334.
Genomic context (GRCh38, chr18:31,545,926, plus strand): 5'-ATGATTTGGGACTTAAATTCAAGACACTAGCTGAAGTTTGCCTGGGTCAAAAAATAGATA[T>A]AAATAAGGAAATTGAGCAGAGACAAAAACCTGCCACAGAAACAAGTATGAACACAGCTTC-3'
Protein context (NP_001934.2, residues 837-857): AEVCLGQKID[Ile847Lys]NKEIEQRQKP